The following is an entry in ClinVar:

ClinVar aggregate classification (germline): Uncertain significance (1 of 4 stars; one submission).

Conditions:
Intellectual disability, autosomal recessive 42 (NEDDSBA). Also called: Neurodevelopmental disorder with dysmorphic features, spasticity, and brain abnormalities; GLYCOSYLPHOSPHATIDYLINOSITOL BIOSYNTHESIS DEFECT 9. Identifiers: Orphanet 88616, MedGen C4014343, MONDO:0014348, OMIM 615802.

Allele frequency attached by ClinVar (database versions not stated): gnomAD exomes below 0.00001; ExAC 0.00001; gnomAD 0.00001; TOPMed 0.00001.

Submission:

Labcorp Genetics (formerly Invitae), Labcorp
Classification: Uncertain significance for Intellectual disability, autosomal recessive 42. Last evaluated: 2021-10-11. Review status: criteria provided, single submitter. Criteria: Invitae Variant Classification Sherloc (09022015). Collection method: clinical testing. Allele origin: germline.
Comment: This sequence change falls in intron 3 of the PGAP1 gene. It does not directly change the encoded amino acid sequence of the PGAP1 protein. It affects a nucleotide within the consensus splice site. In summary, the available evidence is currently insufficient to determine the role of this variant in disease. Therefore, it has been classified as a Variant of Uncertain Significance. Variants that disrupt the consensus splice site are a relatively common cause of aberrant splicing (PMID: 17576681, 9536098). Algorithms developed to predict the effect of sequence changes on RNA splicing suggest that this variant is not likely to affect RNA splicing. This variant has not been reported in the literature in individuals affected with PGAP1-related conditions. This variant is present in population databases (rs773139555, ExAC 0.002%).

Literature cited by the submitters: PubMed 17576681; PubMed 9536098.

NM_024989.4(PGAP1):c.478-3T>C

Gene: PGAP1 (post-GPI attachment to proteins inositol deacylase 1; minus strand). Cytogenetic location: 2q33.1.
Variant type: single nucleotide variant.
Coding change: c.478-3T>C on transcript NM_024989.4 (MANE Select); 3 bases into the intron before coding-DNA position 478, T replaced by C.
Molecular consequence: intron variant.
Genome position (GRCh38, 1-based): chr2:196,913,056, A>G on the plus strand (T>C on the coding strand, the complement: PGAP1 is on the minus strand). VCF-style: chr2-196913056-A-G. GRCh37 (hg19) VCF-style: chr2-197777780-A-G.
Other names: c.-634-3T>C (NM_001321100.2); c.-45-3T>C (NM_001321099.2).
Identifiers: ClinVar variation 1416349 (VCV001416349.6), dbSNP rs773139555, ClinGen allele CA2041185.